The following is an entry in ClinVar:

NM_000112.4(SLC26A2):c.314del (p.Lys105fs)

Gene: SLC26A2 (solute carrier family 26 member 2; plus strand). Cytogenetic location: 5q32.
Variant type: Deletion.
Coding change: c.314del on transcript NM_000112.4 (MANE Select); coding-DNA position 314, one base deleted (A; older notation c.314delA).
Protein change: p.Lys105fs; shifts the reading frame from lysine 105.
Molecular consequence: frameshift variant.
Genome position (GRCh38, 1-based): chr5:149,977,966, A deleted; the last of 3 consecutive A bases (chr5:149,977,964-149,977,966); deleting any one gives the same sequence. VCF-style (leftmost placement, unchanged base first): chr5-149977963-TA-T. GRCh37 (hg19) VCF-style: chr5-149357526-TA-T.
Other names: short protein forms K105fs.
Identifiers: ClinVar variation 2678890 (VCV002678890.2), dbSNP rs745808884, ClinGen allele CA3505235.
Genomic context (GRCh38, chr5:149,977,963, plus strand): 5'-AAGCCAAAAATATGATTTTAGGTTTCCTTCCTGTTTTGCAGTGGCTCCCAAAATACGACC[TA>T]AAGAAAAACATTTTAGGGGATGTGATGTCAGGCTTGATTGTGGGCATATTATTGGTGCCC-3'

ClinVar aggregate classification (germline): Pathogenic/Likely pathogenic. Review status: criteria provided, multiple submitters, no conflicts (2 of 4 stars). 2 submissions from 2 submitters: Pathogenic (1); Likely pathogenic (1). Last evaluated 2026-07-30.

Conditions:
SLC26A2-related skeletal dysplasia. Identifiers: MedGen CN379209, MONDO:0100592.
Achondrogenesis, type IB (ACG1B). Also called: Achondrogenesis Type 1B. Identifiers: Orphanet 932, Orphanet 93298, MedGen C0265274, MONDO:0010966, OMIM 600972.

Submissions (2):

Myriad Genetics, Inc.
Classification: Pathogenic for SLC26A2-related skeletal dysplasia. Last evaluated: 2026-07-30. Review status: criteria provided, single submitter. Criteria: Myriad Autosomal Dominant, Autosomal Recessive and X-Linked Classification Criteria (2023). Collection method: clinical testing. Allele origin: unknown.
Comment: NM_000112.3(SLC26A2):c.314delA(K105Rfs*5) is a frameshift variant classified as pathogenic in the context of SLC26A2-related disorders. K105Rfs*5 has not been observed in cases with relevant disease. Relevant functional assessments of this variant are not available in the literature. K105Rfs*5 has been observed in referenced population frequency databases. In summary, NM_000112.3(SLC26A2):c.314delA(K105Rfs*5) is a frameshift variant in a gene where loss of function is a known mechanism of disease and is predicted to disrupt protein function. Please note: this variant was assessed in the context of healthy population screening.

Baylor Genetics
Classification: Likely pathogenic for Achondrogenesis, type IB. Last evaluated: 2023-03-21. Review status: criteria provided, single submitter. Criteria: ACMG Guidelines, 2015. Collection method: clinical testing. Allele origin: unknown.